The following is an entry in ClinVar:

NM_030957.4(ADAMTS10):c.73G>A (p.Ala25Thr)

Gene: ADAMTS10 (ADAM metallopeptidase with thrombospondin type 1 motif 10; minus strand). Cytogenetic location: 19p13.2.
Variant type: single nucleotide variant.
Coding change: c.73G>A on transcript NM_030957.4 (MANE Select); coding-DNA position 73, G replaced by A.
Protein change: p.Ala25Thr; replaces alanine 25 with threonine.
Molecular consequence: missense variant.
Genome position (GRCh38, 1-based): chr19:8,605,638, C>T on the plus strand (G>A on the coding strand, the complement: ADAMTS10 is on the minus strand). VCF-style: chr19-8605638-C-T. GRCh37 (hg19) VCF-style: chr19-8670523-C-T.
Other names: short protein forms A25T.
Identifiers: ClinVar variation 1947 (VCV000001947.4), dbSNP rs121434358, ClinGen allele CA251985.

ClinVar aggregate classification (germline): Uncertain significance. Review status: criteria provided, single submitter (1 of 4 stars). 2 submissions from 2 submitters: Uncertain significance (1). 1 of the submissions does not count toward it. Last evaluated 2022-08-15.

Conditions:
Weill-Marchesani syndrome 1 (WMS1). Also called: Weill-Marchesani syndrome 1, recessive; ADAMTS10-Related Weill-Marchesani Syndrome; Weill-Marchesani Syndrome, Autosomal Recessive. Identifiers: Orphanet 3449, MedGen C4552002, MONDO:0010194, OMIM 277600.

Allele frequency attached by ClinVar (database versions not stated): ExAC 0.00002; gnomAD 0.00003 and 0.00021; gnomAD exomes 0.00003 and 0.00004; TOPMed 0.00031.
gnomAD v4.1: 87 of 1,613,504 alleles (0.0054%); highest among the groups gnomAD compares: Admixed American, 0.005%; 1 homozygote.

Submissions (2):

Labcorp Genetics (formerly Invitae), Labcorp
Classification: Uncertain significance. Last evaluated: 2022-08-15. Review status: criteria provided, single submitter. Criteria: Invitae Variant Classification Sherloc (09022015). Collection method: clinical testing. Allele origin: germline.
Comment: This sequence change replaces alanine, which is neutral and non-polar, with threonine, which is neutral and polar, at codon 25 of the ADAMTS10 protein (p.Ala25Thr). This variant is present in population databases (rs121434358, gnomAD 0.007%). This missense change has been observed in individual(s) with Weill-Marchesani Syndrome (PMID: 18567016). ClinVar contains an entry for this variant (Variation ID: 1947). Algorithms developed to predict the effect of missense changes on protein structure and function output the following: SIFT: "Tolerated"; PolyPhen-2: "Benign"; Align-GVGD: "Class C0". The threonine amino acid residue is found in multiple mammalian species, which suggests that this missense change does not adversely affect protein function. Experimental studies have shown that this missense change affects ADAMTS10 function (PMID: 18567016). In summary, the available evidence is currently insufficient to determine the role of this variant in disease. Therefore, it has been classified as a Variant of Uncertain Significance.

OMIM
Classification: Pathogenic for WEILL-MARCHESANI SYNDROME 1. Last evaluated: 2008-12-01. Review status: no assertion criteria provided. Collection method: literature only. Allele origin: germline. Not counted in ClinVar's aggregate classification.

Literature cited by the submitters: PubMed 18567016 (cited by Labcorp Genetics (formerly Invitae), Labcorp and OMIM).